The following is an entry in ClinVar:

NM_031935.3(HMCN1):c.11562G>T (p.Arg3854Ser)

Gene: HMCN1 (hemicentin 1; plus strand). Cytogenetic location: 1q31.1.
Variant type: single nucleotide variant.
Coding change: c.11562G>T on transcript NM_031935.3 (MANE Select); coding-DNA position 11562, G replaced by T.
Protein change: p.Arg3854Ser; replaces arginine 3854 with serine.
Molecular consequence: missense variant.
Genome position (GRCh38, 1-based): chr1:186,116,994, G>T. VCF-style: chr1-186116994-G-T. GRCh37 (hg19) VCF-style: chr1-186086126-G-T.
Other names: short protein forms R3854S.
Identifiers: ClinVar variation 2004999 (VCV002004999.4), dbSNP rs2528014110, ClinGen allele CA343945199.
Genomic context (GRCh38, chr1:186,116,994, plus strand): 5'-GCTGGGAAAATTTATGAAAACCTACATATAGTATCTCATGCTTTGAAATGTGTCTTCTAG[G>T]CTCCTTTCTTCAGGTTCACTAGTAATTATTTCCCCTTCTGTGGATGACACTGCAACCTAT-3'
Protein context (NP_114141.2, residues 3844-3864): LNVDQNQNSY[Arg3854Ser]LLSSGSLVII

ClinVar aggregate classification (germline): Uncertain significance (1 of 4 stars; one submission).

Submission:

Labcorp Genetics (formerly Invitae), Labcorp
Classification: Uncertain significance. Last evaluated: 2022-06-12. Review status: criteria provided, single submitter. Criteria: Invitae Variant Classification Sherloc (09022015). Collection method: clinical testing. Allele origin: germline.
Comment: In summary, the available evidence is currently insufficient to determine the role of this variant in disease. Therefore, it has been classified as a Variant of Uncertain Significance. Algorithms developed to predict the effect of sequence changes on RNA splicing suggest that this variant may create or strengthen a splice site. Algorithms developed to predict the effect of missense changes on protein structure and function (SIFT, PolyPhen-2, Align-GVGD) all suggest that this variant is likely to be disruptive. This variant has not been reported in the literature in individuals affected with HMCN1-related conditions. This variant is not present in population databases (gnomAD no frequency). This sequence change replaces arginine, which is basic and polar, with serine, which is neutral and polar, at codon 3854 of the HMCN1 protein (p.Arg3854Ser).